The following is an entry in ClinVar:

NM_000426.4(LAMA2):c.8672C>A (p.Pro2891His)

Gene: LAMA2 (laminin subunit alpha 2; plus strand). Cytogenetic location: 6q22.33.
Variant type: single nucleotide variant.
Coding change: c.8672C>A on transcript NM_000426.4 (MANE Select); coding-DNA position 8672, C replaced by A.
Protein change: p.Pro2891His; replaces proline 2891 with histidine.
Molecular consequence: missense variant.
Genome position (GRCh38, 1-based): chr6:129,505,324, C>A. VCF-style: chr6-129505324-C-A. GRCh37 (hg19) VCF-style: chr6-129826469-C-A.
Other names: c.8660C>A, p.Pro2887His (NM_001079823.2); short protein forms P2887H, P2891H.
Identifiers: ClinVar variation 4801391 (VCV004801391.1).

ClinVar aggregate classification (germline): Uncertain significance (1 of 4 stars; one submission).

Conditions:
LAMA2-related muscular dystrophy (LAMA2-RD). Also called: Laminin alpha 2-related dystrophy. Identifiers: MedGen C5679788, MONDO:0100228.

Submission:

Labcorp Genetics (formerly Invitae), Labcorp
Classification: Uncertain significance for LAMA2-related muscular dystrophy. Last evaluated: 2025-12-15. Review status: criteria provided, single submitter. Criteria: Invitae Variant Classification Sherloc (09022015). Collection method: clinical testing. Allele origin: germline.
Comment: This sequence change replaces proline, which is neutral and non-polar, with histidine, which is basic and polar, at codon 2891 of the LAMA2 protein (p.Pro2891His). This variant is not present in population databases (gnomAD no frequency). This variant has not been reported in the literature in individuals affected with LAMA2-related conditions. Invitae Evidence Modeling of protein sequence and biophysical properties (such as structural, functional, and spatial information, amino acid conservation, physicochemical variation, residue mobility, and thermodynamic stability) has been performed for this missense variant. However, the output from this modeling did not meet the statistical confidence thresholds required to predict the impact of this variant on LAMA2 protein function. In summary, the available evidence is currently insufficient to determine the role of this variant in disease. Therefore, it has been classified as a Variant of Uncertain Significance.